The following is an entry in ClinVar:

ClinVar aggregate classification (germline): Uncertain significance (1 of 4 stars; one submission).

Submission:

Labcorp Genetics (formerly Invitae), Labcorp
Classification: Uncertain significance. Last evaluated: 2022-08-09. Review status: criteria provided, single submitter. Criteria: Invitae Variant Classification Sherloc (09022015). Collection method: clinical testing. Allele origin: germline.
Comment: This sequence change replaces histidine, which is basic and polar, with tyrosine, which is neutral and polar, at codon 1523 of the WDR62 protein (p.His1523Tyr). This variant is not present in population databases (gnomAD no frequency). This variant has not been reported in the literature in individuals affected with WDR62-related conditions. Algorithms developed to predict the effect of missense changes on protein structure and function output the following: SIFT: "Tolerated"; PolyPhen-2: "Benign"; Align-GVGD: "Class C0". The tyrosine amino acid residue is found in multiple mammalian species, which suggests that this missense change does not adversely affect protein function. In summary, the available evidence is currently insufficient to determine the role of this variant in disease. Therefore, it has been classified as a Variant of Uncertain Significance.

NM_001083961.2(WDR62):c.4567C>T (p.His1523Tyr)

Gene: WDR62 (WD repeat domain 62; plus strand). Cytogenetic location: 19q13.12.
Variant type: single nucleotide variant.
Coding change: c.4567C>T on transcript NM_001083961.2 (MANE Select); coding-DNA position 4567, C replaced by T.
Protein change: p.His1523Tyr; replaces histidine 1523 with tyrosine.
Molecular consequence: missense variant.
Genome position (GRCh38, 1-based): chr19:36,105,023, C>T. VCF-style: chr19-36105023-C-T. GRCh37 (hg19) VCF-style: chr19-36595925-C-T.
Other names: c.4552C>T, p.His1518Tyr (NM_001411145.1, NM_173636.5); c.4318C>T, p.His1440Tyr (NM_001411146.1); c.4216C>T, p.His1406Tyr (NM_001411147.1); short protein forms H1406Y, H1523Y, H1440Y, H1518Y.
Identifiers: ClinVar variation 1935598 (VCV001935598.2), dbSNP rs952957232, ClinGen allele CA307843408.